The following is an entry in ClinVar:

NM_001009944.3(PKD1):c.9512C>T (p.Ala3171Val)

Gene: PKD1 (polycystin 1, transient receptor potential channel interacting; minus strand). Cytogenetic location: 16p13.3.
Variant type: single nucleotide variant.
Coding change: c.9512C>T on transcript NM_001009944.3 (MANE Select); coding-DNA position 9512, C replaced by T.
Protein change: p.Ala3171Val; replaces alanine 3171 with valine.
Molecular consequence: missense variant.
Genome position (GRCh38, 1-based): chr16:2,100,452, G>A on the plus strand (C>T on the coding strand, the complement: PKD1 is on the minus strand). VCF-style: chr16-2100452-G-A. GRCh37 (hg19) VCF-style: chr16-2150453-G-A.
Other names: c.9512C>T (NM_001009944.2); c.9512C>T, p.Ala3171Val (NM_000296.4); short protein forms A3171V.
Identifiers: ClinVar variation 997223 (VCV000997223.5), dbSNP rs2092048001, ClinGen allele CA394356160.
Genomic context (GRCh38, chr16:2,100,452, plus strand): 5'-AAACCTTTGTTGTCGTGCCACACTCGGATCTTCCACACGCTACCCAGGCTGTGCGGGGTG[G>A]CGATCCGGAAGATGTCCAGGCTGTTGCGGTGGAAGGCTCTGTCGCCGTCCAGGTGCCGGT-3'
Protein context (NP_001009944.3, residues 3161-3181): HRNSLDIFRI[Ala3171Val]TPHSLGSVWK

ClinVar aggregate classification (germline): Uncertain significance. Review status: criteria provided, multiple submitters, no conflicts (2 of 4 stars). 4 submissions from 4 submitters: Uncertain significance (3). 1 of the submissions does not count toward it. Last evaluated 2025-12-08.

Conditions:
Polycystic kidney disease. Also called: Polycystic kidney dysplasia; Kidney, Polycystic. Identifiers: MedGen C0022680, MeSH D007690, MONDO:0020642, HP:0000113.
Polycystic kidney disease, adult type (PKD1). Also called: POLYCYSTIC KIDNEY DISEASE, ADULT, TYPE I; Polycystic Kidney Disease 1, Autosomal Dominant; Polycystic kidney disease 1; Polycystic kidney disease 1, severe; Polycystic Kidney, Autosomal Dominant; POLYCYSTIC KIDNEY DISEASE 1 WITH OR WITHOUT POLYCYSTIC LIVER DISEASE. Identifiers: MedGen C3149841, MONDO:0008263, OMIM 173900.

Submissions (4):

Women's Health and Genetics/Laboratory Corporation of America, LabCorp
Classification: Uncertain significance. Last evaluated: 2025-12-08. Review status: criteria provided, single submitter. Criteria: LabCorp Variant Classification Summary - May 2015. Collection method: clinical testing. Allele origin: germline.
Comment: Variant summary: PKD1 c.9512C>T (p.Ala3171Val) results in a non-conservative amino acid change in the encoded protein sequence. Algorithms developed to predict the effect of missense changes on protein structure and function are either unavailable or do not agree on the potential impact of this missense change. The variant was absent in 249430 control chromosomes. The available data on variant occurrences in the general population are insufficient to allow any conclusion about variant significance. To our knowledge, no occurrence of c.9512C>T in individuals affected with PKD1-related conditions and no experimental evidence demonstrating its impact on protein function have been reported. ClinVar contains an entry for this variant (Variation ID: 997223). Based on the evidence outlined above, the variant was classified as uncertain significance.

Fulgent Genetics
Classification: Uncertain significance for Polycystic kidney disease, adult type. Last evaluated: 2024-01-15. Review status: criteria provided, single submitter. Criteria: ACMG Guidelines, 2015. Collection method: clinical testing. Allele origin: germline.

Genetic Services Laboratory, University of Chicago
Classification: Uncertain significance. Last evaluated: 2023-10-04. Review status: criteria provided, single submitter. Criteria: ACMG Guidelines, 2015. Collection method: clinical testing. Allele origin: germline. Affected: no.
Comment: DNA sequence analysis of the PKD1 gene demonstrated a sequence change, c.9512C>T, in exon 27 that results in an amino acid change, p.Ala3171Val. This sequence change does not appear to have been previously described in individuals with PKD1-related disorders; however, a different sequence change affecting this amino acid residue, p.Ala3171Pro, was identified as a possible pathogenic variant in a study of autosomal dominant polycystic kidney disease [PMID: 17582161]. This sequence change has not been described in population databases such as ExAC and gnomAD. The p.Ala3171Val change affects a moderately conserved amino acid residue located in a domain of the PKD1 protein that is known to be functional. In-silico pathogenicity prediction tools (SIFT, PolyPhen2, Align GVGD, REVEL) provide contradictory results for the p.Ala3171Val substitution. Due to insufficient evidences and the lack of functional studies, the clinical significance of the p.Ala3171Val change remains unknown at this time.

Department of Pathology and Laboratory Medicine, Sinai Health System
Classification: Uncertain significance for Polycystic Kidney disease. Review status: no assertion criteria provided. Collection method: clinical testing. Allele origin: unknown. Affected: yes. Study: The Canadian Open Genetics Repository (COGR). Not counted in ClinVar's aggregate classification.
Comment: The PKD1 p.Ala3171Val variant was not identified in the literature nor was it identified in the dbSNP, ClinVar, COGR, LOVD 3.0, ADPKD Mutation Database, PKD1-LOVD, or the Exome Aggregation Consortium (August 8th 2016), or the Genome Aggregation Database (Feb 27, 2017). The p.Ala3171 residue is conserved across mammals and other organisms, and four out of five computational analyses (PolyPhen-2, SIFT, AlignGVGD, BLOSUM, MutationTaster) suggest that the variant may impact the protein; however, this information is not predictive enough to assume pathogenicity. The variant occurs outside of the splicing consensus sequence and 1 of 4 in silico or computational prediction software programs (SpliceSiteFinder, MaxEntScan, NNSPLICE, GeneSplicer) predict a greater than 10% difference in splicing; this is not very predictive of pathogenicity. In summary, based on the above information the clinical significance of this variant cannot be determined with certainty at this time. This variant is classified as a variant of uncertain significance.